The following is an entry in ClinVar:

NM_014806.5(RUSC2):c.3877C>T (p.Arg1293Cys)

Gene: RUSC2 (RUN and SH3 domain containing 2; plus strand). Cytogenetic location: 9p13.3.
Variant type: single nucleotide variant.
Coding change: c.3877C>T on transcript NM_014806.5 (MANE Select); coding-DNA position 3877, C replaced by T.
Protein change: p.Arg1293Cys; replaces arginine 1293 with cysteine.
Molecular consequence: missense variant. On other transcripts: non-coding transcript variant (1).
Genome position (GRCh38, 1-based): chr9:35,560,517, C>T. VCF-style: chr9-35560517-C-T. GRCh37 (hg19) VCF-style: chr9-35560514-C-T.
Other names: c.1243C>T, p.Arg415Cys (NM_001330740.2); c.3877C>T, p.Arg1293Cys (NM_001135999.2); short protein forms R1293C, R415C.
Identifiers: ClinVar variation 1031870 (VCV001031870.2), dbSNP rs1563876680, ClinGen allele CA373355347.

ClinVar aggregate classification (germline): Uncertain significance (1 of 4 stars; one submission).

Conditions:
Intellectual developmental disorder, autosomal recessive 61. Also called: ALWADEI SYNDROME; Intellectual disability, autosomal recessive 61; MENTAL RETARDATION, AUTOSOMAL RECESSIVE 61. Identifiers: MedGen C4540424, MONDO:0030915, OMIM 617773.

Allele frequency attached by ClinVar (database versions not stated): gnomAD exomes below 0.00001 and 0.00001; TOPMed 0.00001.
gnomAD v4.1: 9 of 1,614,114 alleles (0.00056%); highest among the groups gnomAD compares: Middle Eastern, 0.016%; no homozygotes.

Submission:

Baylor Genetics
Classification: Uncertain significance for Intellectual developmental disorder, autosomal recessive 61. Last evaluated: 2018-11-30. Review status: criteria provided, single submitter. Criteria: ACMG Guidelines, 2015. Collection method: clinical testing. Allele origin: maternal. Affected: yes.
Comment: This variant was determined to be of uncertain significance according to ACMG Guidelines, 2015 [PMID:25741868].